The following is an entry in ClinVar:

NM_032119.4(ADGRV1):c.10267A>G (p.Ile3423Val)

Gene: ADGRV1 (adhesion G protein-coupled receptor V1; plus strand). Cytogenetic location: 5q14.3.
Variant type: single nucleotide variant.
Coding change: c.10267A>G on transcript NM_032119.4 (MANE Select); coding-DNA position 10267, A replaced by G.
Protein change: p.Ile3423Val; replaces isoleucine 3423 with valine.
Molecular consequence: missense variant. On other transcripts: non-coding transcript variant (1).
Genome position (GRCh38, 1-based): chr5:90,728,774, A>G. VCF-style: chr5-90728774-A-G. GRCh37 (hg19) VCF-style: chr5-90024591-A-G.
Other names: short protein forms I3423V.
Identifiers: ClinVar variation 904847 (VCV000904847.11), dbSNP rs747192045, ClinGen allele CA3340717.

ClinVar aggregate classification (germline): Uncertain significance. Review status: criteria provided, multiple submitters, no conflicts (2 of 4 stars). 4 submissions from 4 submitters: Uncertain significance (4). Last evaluated 2025-03-20.

Conditions:
Usher syndrome type 2C. Also called: Usher syndrome, type 2B; USHER SYNDROME, TYPE IIC. Identifiers: Orphanet 231178, Orphanet 886, MedGen C2931213, MONDO:0011558, OMIM 605472.
Inborn genetic diseases. Identifiers: MedGen C0950123, MeSH D030342.

Allele frequency attached by ClinVar (database versions not stated): gnomAD 0.00001 and 0.00002; TOPMed 0.00001.
gnomAD v4.1: 40 of 1,613,832 alleles (0.0025%); highest among the groups gnomAD compares: Middle Eastern, 0.016%; no homozygotes.

Submissions (4):

Ambry Genetics
Classification: Uncertain significance for Inborn genetic diseases. Last evaluated: 2025-03-20. Review status: criteria provided, single submitter. Criteria: Ambry Variant Classification Scheme 2023. Collection method: clinical testing. Allele origin: germline.

GeneDx
Classification: Uncertain significance. Last evaluated: 2022-04-19. Review status: criteria provided, single submitter. Criteria: GeneDx Variant Classification Process June 2021. Collection method: clinical testing. Allele origin: germline. Affected: yes.
Comment: Not observed at significant frequency in large population cohorts (gnomAD); In silico analysis supports that this missense variant does not alter protein structure/function; Has not been previously published as pathogenic or benign to our knowledge

Labcorp Genetics (formerly Invitae), Labcorp
Classification: Uncertain significance. Last evaluated: 2021-08-31. Review status: criteria provided, single submitter. Criteria: Invitae Variant Classification Sherloc (09022015). Collection method: clinical testing. Allele origin: germline.
Comment: This sequence change replaces isoleucine with valine at codon 3423 of the ADGRV1 protein (p.Ile3423Val). The isoleucine residue is moderately conserved and there is a small physicochemical difference between isoleucine and valine. This variant is present in population databases (rs747192045, ExAC 0.003%). This variant has not been reported in the literature in individuals affected with ADGRV1-related conditions. ClinVar contains an entry for this variant (Variation ID: 904847). Algorithms developed to predict the effect of missense changes on protein structure and function output the following: SIFT: "Tolerated"; PolyPhen-2: "Benign"; Align-GVGD: "Class C0". The valine amino acid residue is found in multiple mammalian species, which suggests that this missense change does not adversely affect protein function. In summary, the available evidence is currently insufficient to determine the role of this variant in disease. Therefore, it has been classified as a Variant of Uncertain Significance.

Illumina Laboratory Services, Illumina
Classification: Uncertain significance for Usher syndrome type 2C. Last evaluated: 2018-01-13. Review status: criteria provided, single submitter. Criteria: ICSL Variant Classification Criteria 13 December 2019. Collection method: clinical testing. Allele origin: germline.